The following is an entry in ClinVar:

ClinVar aggregate classification (germline): Uncertain significance. Review status: criteria provided, multiple submitters, no conflicts (2 of 4 stars). 2 submissions from 2 submitters: Uncertain significance (2). Last evaluated 2025-09-25.

Conditions:
Gastrointestinal stromal tumor. Also called: Gastrointestinal stroma tumor; Gastrointestinal stromal tumor, somatic. Identifiers: Orphanet 44890, MedGen C0238198, MeSH D046152, MONDO:0011719, OMIM 606764, HP:0100723.
Hereditary cancer-predisposing syndrome. Also called: Hereditary neoplastic syndrome; Neoplastic Syndromes, Hereditary; Hereditary Cancer Syndrome; Tumor predisposition. Identifiers: Orphanet 140162, MedGen C0027672, MeSH D009386, MONDO:0015356.

Allele frequency attached by ClinVar (database versions not stated): gnomAD exomes below 0.00001.

Submissions (2):

Ambry Genetics
Classification: Uncertain significance for Hereditary cancer-predisposing syndrome. Last evaluated: 2025-09-25. Review status: criteria provided, single submitter. Criteria: Ambry Variant Classification Scheme 2023. Collection method: clinical testing. Allele origin: germline.
Comment: The p.Y913* variant (also known as c.2739C>G), located in coding exon 19 of the PDGFRA gene, results from a C to G substitution at nucleotide position 2739. This changes the amino acid from a tyrosine to a stop codon within coding exon 19. This alteration is expected to result in loss of function by premature protein truncation or nonsense-mediated mRNA decay. However, loss of function has not been established as a mechanism of disease. Based on the available evidence, the clinical significance of this alteration remains unclear.

Labcorp Genetics (formerly Invitae), Labcorp
Classification: Uncertain significance for Gastrointestinal stromal tumor. Last evaluated: 2024-04-10. Review status: criteria provided, single submitter. Criteria: Invitae Variant Classification Sherloc (09022015). Collection method: clinical testing. Allele origin: germline.
Comment: This sequence change creates a premature translational stop signal (p.Tyr913*) in the PDGFRA gene. It is expected to result in an absent or disrupted protein product. However, the current clinical and genetic evidence is not sufficient to establish whether loss-of-function variants in PDGFRA cause disease. This variant is present in population databases (no rsID available, gnomAD 0.003%). This variant has not been reported in the literature in individuals affected with PDGFRA-related conditions. ClinVar contains an entry for this variant (Variation ID: 2084187). Experimental studies and prediction algorithms are not available or were not evaluated, and the functional significance of this variant is currently unknown. In summary, the available evidence is currently insufficient to determine the role of this variant in disease. Therefore, it has been classified as a Variant of Uncertain Significance.

NM_006206.6(PDGFRA):c.2739C>G (p.Tyr913Ter)

Gene: PDGFRA (platelet derived growth factor receptor alpha; plus strand). Cytogenetic location: 4q12.
Variant type: single nucleotide variant.
Coding change: c.2739C>G on transcript NM_006206.6 (MANE Select); coding-DNA position 2739, C replaced by G.
Protein change: p.Tyr913Ter; replaces tyrosine 913 with a stop codon.
Molecular consequence: nonsense.
Genome position (GRCh38, 1-based): chr4:54,288,863, C>G. VCF-style: chr4-54288863-C-G. GRCh37 (hg19) VCF-style: chr4-55155030-C-G.
Other names: c.2814C>G, p.Tyr938Ter (NM_001347828.2); c.2739C>G, p.Tyr913Ter (NM_001347829.2); c.2778C>G, p.Tyr926Ter (NM_001347830.2); short protein forms Y938*, Y913*, Y926*.
Identifiers: ClinVar variation 2084187 (VCV002084187.4), dbSNP rs1324332329, ClinGen allele CA356895547.